The following is an entry in ClinVar:

NM_003384.3(VRK1):c.668G>T (p.Gly223Val)

Gene: VRK1 (VRK serine/threonine kinase 1; plus strand). Cytogenetic location: 14q32.2.
Variant type: single nucleotide variant.
Coding change: c.668G>T on transcript NM_003384.3 (MANE Select); coding-DNA position 668, G replaced by T.
Protein change: p.Gly223Val; replaces glycine 223 with valine.
Molecular consequence: missense variant.
Genome position (GRCh38, 1-based): chr14:96,855,315, G>T. VCF-style: chr14-96855315-G-T. GRCh37 (hg19) VCF-style: chr14-97321652-G-T.
Other names: short protein forms G223V.
Identifiers: ClinVar variation 533535 (VCV000533535.14), dbSNP rs1555361508, ClinGen allele CA390931243.

ClinVar aggregate classification (germline): Uncertain significance. Review status: criteria provided, single submitter (1 of 4 stars). 2 submissions from 2 submitters: Uncertain significance (1). 1 of the submissions does not count toward it. Last evaluated 2022-11-15.

Conditions:
Pontocerebellar hypoplasia type 1A (PCH1A). Also called: PONTOCEREBELLAR HYPOPLASIA WITH ANTERIOR HORN CELL DISEASE; PONTOCEREBELLAR HYPOPLASIA WITH INFANTILE SPINAL MUSCULAR ATROPHY. Identifiers: Orphanet 2254, Orphanet 88616, MedGen C1843504, MONDO:0011866, OMIM 607596.

gnomAD v4.1: 2 of 1,614,076 alleles (0.00012%); highest among the groups gnomAD compares: Non-Finnish European, 0.00017%; no homozygotes.

Submissions (2):

Labcorp Genetics (formerly Invitae), Labcorp
Classification: Uncertain significance for Pontocerebellar hypoplasia type 1A. Last evaluated: 2022-11-15. Review status: criteria provided, single submitter. Criteria: Invitae Variant Classification Sherloc (09022015). Collection method: clinical testing. Allele origin: germline.
Comment: In summary, the available evidence is currently insufficient to determine the role of this variant in disease. Therefore, it has been classified as a Variant of Uncertain Significance. Algorithms developed to predict the effect of missense changes on protein structure and function (SIFT, PolyPhen-2, Align-GVGD) all suggest that this variant is likely to be disruptive. ClinVar contains an entry for this variant (Variation ID: 533535). This variant has not been reported in the literature in individuals affected with VRK1-related conditions. This variant is not present in population databases (gnomAD no frequency). This sequence change replaces glycine, which is neutral and non-polar, with valine, which is neutral and non-polar, at codon 223 of the VRK1 protein (p.Gly223Val).

Natera, Inc.
Classification: Uncertain significance for Pontocerebellar hypoplasia, type 1a. Last evaluated: 2020-10-30. Review status: no assertion criteria provided. Collection method: clinical testing. Allele origin: germline. Not counted in ClinVar's aggregate classification.